The following is an entry in ClinVar:

NM_014712.3(SETD1A):c.782G>A (p.Gly261Asp)

Gene: SETD1A (SET domain containing 1A, histone lysine methyltransferase; plus strand). Cytogenetic location: 16p11.2.
Variant type: single nucleotide variant.
Coding change: c.782G>A on transcript NM_014712.3 (MANE Select); coding-DNA position 782, G replaced by A.
Protein change: p.Gly261Asp; replaces glycine 261 with aspartic acid.
Molecular consequence: missense variant.
Genome position (GRCh38, 1-based): chr16:30,964,236, G>A. VCF-style: chr16-30964236-G-A. GRCh37 (hg19) VCF-style: chr16-30975557-G-A.
Other names: short protein forms G261D.
Identifiers: ClinVar variation 3902844 (VCV003902844.1).

ClinVar aggregate classification (germline): Uncertain significance (1 of 4 stars; one submission).

Submission:

GeneDx
Classification: Uncertain significance. Last evaluated: 2024-12-11. Review status: criteria provided, single submitter. Criteria: GeneDx Variant Classification Process June 2021. Collection method: clinical testing. Allele origin: germline. Affected: yes.
Comment: Not observed at significant frequency in large population cohorts (gnomAD); In silico analysis supports that this missense variant has a deleterious effect on protein structure/function; Has not been previously published as pathogenic or benign to our knowledge